The following is an entry in ClinVar:

ClinVar aggregate classification (germline): Likely benign. Review status: criteria provided, multiple submitters, no conflicts (2 of 4 stars). 2 submissions from 2 submitters: Likely benign (2). Last evaluated 2024-02-01.

Allele frequency attached by ClinVar (database versions not stated): gnomAD 0.00001; gnomAD exomes 0.00001; TOPMed 0.00001; ExAC 0.00002; ESP Exome Variant Server 0.00008.
gnomAD v4.1: 17 of 1,613,298 alleles (0.0011%); highest among the groups gnomAD compares: Middle Eastern, 0.035%; no homozygotes.

Submissions (2):

CeGaT Center for Human Genetics Tuebingen
Classification: Likely benign. Last evaluated: 2024-02-01. Review status: criteria provided, single submitter. Criteria: CeGaT Center For Human Genetics Tuebingen Variant Classification Criteria Version 2. Collection method: clinical testing. Allele origin: germline. Affected: yes. Observed: 1 variant allele.
Comment: ADCY10: BP4

Labcorp Genetics (formerly Invitae), Labcorp
Classification: Likely benign. Last evaluated: 2022-04-20. Review status: criteria provided, single submitter. Criteria: Invitae Variant Classification Sherloc (09022015). Collection method: clinical testing. Allele origin: germline.

NM_018417.6(ADCY10):c.437-8C>G

Genes: ADCY10 (adenylate cyclase 10; minus strand), DCAF6 (DDB1 and CUL4 associated factor 6; plus strand). Cytogenetic location: 1q24.2.
Variant type: single nucleotide variant.
Coding change: c.437-8C>G on transcript NM_018417.6 (MANE Select); 8 bases into the intron before coding-DNA position 437, C replaced by G.
Molecular consequence: intron variant.
Genome position (GRCh38, 1-based): chr1:167,899,636, G>C on the plus strand (C>G on the coding strand, the complement: ADCY10 is on the minus strand). VCF-style: chr1-167899636-G-C. GRCh37 (hg19) VCF-style: chr1-167868874-G-C.
Other names: c.-23-8C>G (NM_001167749.3); c.161-8C>G (NM_001297772.2).
Identifiers: ClinVar variation 1901853 (VCV001901853.27), dbSNP rs368198825, ClinGen allele CA1228267.